The following is an entry in ClinVar:

NM_000501.4(ELN):c.1192G>T (p.Gly398Trp)

Gene: ELN (elastin; plus strand). Cytogenetic location: 7q11.23.
Variant type: single nucleotide variant.
Coding change: c.1192G>T on transcript NM_000501.4 (MANE Select); coding-DNA position 1192, G replaced by T.
Protein change: p.Gly398Trp; replaces glycine 398 with tryptophan.
Molecular consequence: missense variant.
Genome position (GRCh38, 1-based): chr7:74,056,312, G>T. VCF-style: chr7-74056312-G-T. GRCh37 (hg19) VCF-style: chr7-73470642-G-T.
Other names: c.1192G>T (NM_000501.2); c.1162G>T, p.Gly388Trp (NM_001081752.3, NM_001278917.2); c.1207G>T, p.Gly403Trp (NM_001081753.3, NM_001081754.3); c.1192G>T, p.Gly398Trp (NM_001081755.3, NM_001278912.2, NM_001278915.2 and 1 more transcripts); c.1084G>T, p.Gly362Trp (NM_001278913.2); c.1177G>T, p.Gly393Trp (NM_001278914.2); c.1150G>T, p.Gly384Trp (NM_001278916.2); c.1060G>T, p.Gly354Trp (NM_001278918.2); short protein forms G354W, G362W, G384W, G388W, G393W, G398W, G403W.
Identifiers: ClinVar variation 1002629 (VCV001002629.9), dbSNP rs2229427, ClinGen allele CA4292891.
Genomic context (GRCh38, chr7:74,056,312, plus strand): 5'-GGCTCCCTTCCCTCTGCAGGGGCCAGGCCCGGAGTCGGAGTTGGAGGCATTCCTACTTAC[G>T]GGGTTGGAGCTGGGGGCTTTCCCGGCTTTGGTGTCGGAGTCGGAGGTATCCCTGGAGTCG-3'
Protein context (NP_000492.2, residues 388-408): GVGVGGIPTY[Gly398Trp]VGAGGFPGFG

ClinVar aggregate classification (germline): Uncertain significance. Review status: criteria provided, multiple submitters, no conflicts (2 of 4 stars). 2 submissions from 2 submitters: Uncertain significance (2). Last evaluated 2024-10-07.

Conditions:
Supravalvar aortic stenosis (SVAS). Also called: Supravalvar aortic stenosis, Eisenberg type. Identifiers: Orphanet 3193, MedGen C0003499, MONDO:0008504, OMIM 185500, HP:0004381.

Allele frequency attached by ClinVar (database versions not stated): TOPMed 0.00001.
gnomAD v4.1: 1 of 1,612,656 alleles (0.000062%); highest among the groups gnomAD compares: African/African-American, 0.0013%; no homozygotes.

Submissions (2):

Labcorp Genetics (formerly Invitae), Labcorp
Classification: Uncertain significance for Supravalvar aortic stenosis. Last evaluated: 2024-10-07. Review status: criteria provided, single submitter. Criteria: Invitae Variant Classification Sherloc (09022015). Collection method: clinical testing. Allele origin: germline.
Comment: This sequence change replaces glycine, which is neutral and non-polar, with tryptophan, which is neutral and slightly polar, at codon 398 of the ELN protein (p.Gly398Trp). This variant is present in population databases (rs2229427, gnomAD 0.01%). This variant has not been reported in the literature in individuals affected with ELN-related conditions. ClinVar contains an entry for this variant (Variation ID: 1002629). Invitae Evidence Modeling of protein sequence and biophysical properties (such as structural, functional, and spatial information, amino acid conservation, physicochemical variation, residue mobility, and thermodynamic stability) has been performed for this missense variant. However, the output from this modeling did not meet the statistical confidence thresholds required to predict the impact of this variant on ELN protein function. In summary, the available evidence is currently insufficient to determine the role of this variant in disease. Therefore, it has been classified as a Variant of Uncertain Significance.

GeneDx
Classification: Uncertain significance. Last evaluated: 2022-08-23. Review status: criteria provided, single submitter. Criteria: GeneDx Variant Classification Process June 2021. Collection method: clinical testing. Allele origin: germline. Affected: yes.
Comment: Not observed at significant frequency in large population cohorts (gnomAD); In silico analysis supports that this missense variant has a deleterious effect on protein structure/function; Has not been previously published as pathogenic or benign to our knowledge